The following is an entry in ClinVar:

ClinVar aggregate classification (germline): Uncertain significance (1 of 4 stars; one submission).

Conditions:
Oculofaciocardiodental syndrome (MCOPS2). Identifiers: Orphanet 2712, MedGen C1846265, MONDO:0010261, OMIM 300166.

Submission:

Labcorp Genetics (formerly Invitae), Labcorp
Classification: Uncertain significance for Oculofaciocardiodental syndrome. Last evaluated: 2022-05-18. Review status: criteria provided, single submitter. Criteria: Invitae Variant Classification Sherloc (09022015). Collection method: clinical testing. Allele origin: germline.
Comment: In summary, the available evidence is currently insufficient to determine the role of this variant in disease. Therefore, it has been classified as a Variant of Uncertain Significance. Algorithms developed to predict the effect of missense changes on protein structure and function are either unavailable or do not agree on the potential impact of this missense change (SIFT: "Deleterious"; PolyPhen-2: "Possibly Damaging"; Align-GVGD: "Class C15"). This variant has not been reported in the literature in individuals affected with BCOR-related conditions. This variant is not present in population databases (gnomAD no frequency). This sequence change replaces serine, which is neutral and polar, with arginine, which is basic and polar, at codon 636 of the BCOR protein (p.Ser636Arg).

NM_001123385.2(BCOR):c.1908C>G (p.Ser636Arg)

Gene: BCOR (BCL6 corepressor; minus strand). Cytogenetic location: Xp11.4.
Variant type: single nucleotide variant.
Coding change: c.1908C>G on transcript NM_001123385.2 (MANE Select); coding-DNA position 1908, C replaced by G.
Protein change: p.Ser636Arg; replaces serine 636 with arginine.
Molecular consequence: missense variant.
Genome position (GRCh38, 1-based): chrX:40,073,438, G>C on the plus strand (C>G on the coding strand, the complement: BCOR is on the minus strand). VCF-style: chrX-40073438-G-C. GRCh37 (hg19) VCF-style: chrX-39932691-G-C.
Other names: c.1908C>G, p.Ser636Arg (NM_001123383.2, NM_001123384.2, NM_017745.6); short protein forms S636R.
Identifiers: ClinVar variation 1995843 (VCV001995843.4), dbSNP rs2519987858, ClinGen allele CA412744118.